The following is an entry in ClinVar:

ClinVar aggregate classification (germline): Benign. Review status: criteria provided, multiple submitters, no conflicts (2 of 4 stars). 2 submissions from 2 submitters: Benign (2). Last evaluated 2018-06-15.

Allele frequency attached by ClinVar (database versions not stated): 1000 Genomes Project 0.23942; 1000 Genomes Project 30x 0.24453; gnomAD exomes 0.27045; TOPMed 0.27508; gnomAD 0.27596 and 0.27760.
gnomAD v4.1: 174,035 of 640,024 alleles (27%); highest among the groups gnomAD compares: South Asian, 31%; 25,160 homozygotes.

Submissions (2):

GeneDx
Classification: Benign. Last evaluated: 2018-06-15. Review status: criteria provided, single submitter. Criteria: GeneDx Variant Classification (06012015). Collection method: clinical testing. Allele origin: germline. Affected: yes.
Comment: This variant is considered likely benign or benign based on one or more of the following criteria: it is a conservative change, it occurs at a poorly conserved position in the protein, it is predicted to be benign by multiple in silico algorithms, and/or has population frequency not consistent with disease.

Breakthrough Genomics
Classification: Benign. Review status: criteria provided, single submitter. Criteria: ACMG Guidelines, 2015. Collection method: not provided. Allele origin: germline. Inheritance: Autosomal dominant inheritance. Affected: yes.

NM_003072.5(SMARCA4):c.4425-133G>A

Gene: SMARCA4 (SWI/SNF related BAF chromatin remodeling complex subunit ATPase 4; plus strand). Cytogenetic location: 19p13.2.
Variant type: single nucleotide variant.
Coding change: c.4425-133G>A on transcript NM_003072.5 (MANE Select); 133 bases into the intron before coding-DNA position 4425, G replaced by A.
Molecular consequence: intron variant.
Genome position (GRCh38, 1-based): chr19:11,058,122, G>A. VCF-style: chr19-11058122-G-A. GRCh37 (hg19) VCF-style: chr19-11168798-G-A.
Other names: c.4425-133G>A (NM_001128844.3); c.4521-133G>A (NM_001128849.3, NM_001387283.1); c.4326-133G>A (NM_001128847.4, NM_001374457.1); c.4335-133G>A (NM_001128845.2); c.4335-136G>A (NM_001128846.2); c.4326-136G>A (NM_001128848.2).
Identifiers: ClinVar variation 676523 (VCV000676523.2), dbSNP rs60448955, ClinGen allele CA14635587.